The following is an entry in ClinVar:

ClinVar aggregate classification (germline): Conflicting classifications of pathogenicity. Review status: criteria provided, conflicting classifications (1 of 4 stars). 5 submissions from 5 submitters: Pathogenic (2); Uncertain significance (3). Last evaluated 2025-07-25.

Conditions:
Cardiovascular phenotype. Identifiers: MedGen CN230736.
Arrhythmogenic right ventricular dysplasia 8 (ARVD8). Also called: Arrhythmogenic Right Ventricular Dysplasia/Cardiomyopathy 8; ARRHYTHMOGENIC RIGHT VENTRICULAR DYSPLASIA, FAMILIAL, 8; ARRHYTHMOGENIC RIGHT VENTRICULAR CARDIOMYOPATHY 8. Identifiers: MedGen C1843896, MONDO:0011831, OMIM 607450.
Arrhythmogenic cardiomyopathy with wooly hair and keratoderma. Also called: Arrhythmogenic cardiomyopathy with woolly hair and keratoderma; Dilated cardiomyopathy with woolly hair and keratoderma; Carvajal syndrome; PALMOPLANTAR KERATODERMA WITH LEFT VENTRICULAR CARDIOMYOPATHY AND WOOLLY HAIR. Identifiers: Orphanet 65282, MedGen C1854063, MONDO:0011581, OMIM 605676.

Submissions (5):

Molecular Diagnostic Laboratory for Inherited Cardiovascular Disease, Montreal Heart Institute
Classification: Pathogenic for Cardiovascular phenotype. Last evaluated: 2025-07-25. Review status: criteria provided, single submitter. Criteria: ACMG Guidelines, 2015. Collection method: clinical testing. Allele origin: germline. Affected: yes.
Comment: PP1_strong, PM1, PM2, PS4_supp, PP3

Labcorp Genetics (formerly Invitae), Labcorp
Classification: Pathogenic for Arrhythmogenic cardiomyopathy with wooly hair and keratoderma; Arrhythmogenic right ventricular dysplasia 8. Last evaluated: 2025-07-14. Review status: criteria provided, single submitter. Criteria: Invitae Variant Classification Sherloc (09022015). Collection method: clinical testing. Allele origin: germline.
Comment: This sequence change replaces glutamic acid, which is acidic and polar, with lysine, which is basic and polar, at codon 293 of the DSP protein (p.Glu293Lys). This variant is not present in population databases (gnomAD no frequency). This missense change has been observed in individual(s) with clinical features of arrhythmogenic cardiomyopathy (PMID: 32808748). It has also been observed to segregate with disease in related individuals. ClinVar contains an entry for this variant (Variation ID: 228650). An algorithm developed to predict the effect of missense changes on protein structure and function (PolyPhen-2) suggests that this variant is likely to be disruptive. For these reasons, this variant has been classified as Pathogenic.

Mayo Clinic Laboratories, Mayo Clinic
Classification: Uncertain significance. Last evaluated: 2021-09-09. Review status: criteria provided, single submitter. Criteria: ACMG Guidelines, 2015. Collection method: clinical testing. Allele origin: germline.

GeneDx
Classification: Uncertain significance. Last evaluated: 2020-07-15. Review status: criteria provided, single submitter. Criteria: GeneDx Variant Classification Process June 2021. Collection method: clinical testing. Allele origin: germline. Affected: yes.
Comment: Has not been previously published as pathogenic or benign to our knowledge; Not observed in large population cohorts (Lek et al., 2016); In silico analysis supports that this missense variant has a deleterious effect on protein structure/function; This variant is associated with the following publications: (PMID: 32808748)

Laboratory for Molecular Medicine, Mass General Brigham Personalized Medicine
Classification: Uncertain significance. Last evaluated: 2014-12-31. Review status: criteria provided, single submitter. Criteria: LMM Criteria. Collection method: clinical testing. Allele origin: germline. Observed: 1 variant allele.
Comment: The p.Glu293Lys variant in DSP has not been previously reported in individuals w ith cardiomyopathy or in large population studies. Computational prediction tool s and conservation analysis suggest that this variant may impact the protein, th ough this information is not predictive enough to determine pathogenicity. In su mmary, the clinical significance of the p.Glu293Lys variant is uncertain.

Literature cited by the submitters: PubMed 32808748 (cited by Labcorp Genetics (formerly Invitae), Labcorp).

NM_004415.4(DSP):c.877G>A (p.Glu293Lys)

Gene: DSP (desmoplakin; plus strand). Cytogenetic location: 6p24.3.
Variant type: single nucleotide variant.
Coding change: c.877G>A on transcript NM_004415.4 (MANE Select); coding-DNA position 877, G replaced by A.
Protein change: p.Glu293Lys; replaces glutamic acid 293 with lysine.
Molecular consequence: missense variant.
Genome position (GRCh38, 1-based): chr6:7,565,458, G>A. VCF-style: chr6-7565458-G-A. GRCh37 (hg19) VCF-style: chr6-7565691-G-A.
Other names: c.877G>A, p.Glu293Lys (NM_001008844.3, NM_001319034.2); short protein forms E293K.
Identifiers: ClinVar variation 228650 (VCV000228650.20), dbSNP rs876657799, ClinGen allele CA10576692.